The following is an entry in ClinVar:

NM_000256.3(MYBPC3):c.2308G>C (p.Asp770His)

Gene: MYBPC3 (myosin binding protein C3; minus strand). Cytogenetic location: 11p11.2.
Variant type: single nucleotide variant.
Coding change: c.2308G>C on transcript NM_000256.3 (MANE Select); coding-DNA position 2308, G replaced by C.
Protein change: p.Asp770His; replaces aspartic acid 770 with histidine.
Molecular consequence: missense variant.
Genome position (GRCh38, 1-based): chr11:47,338,520, C>G on the plus strand (G>C on the coding strand, the complement: MYBPC3 is on the minus strand). VCF-style: chr11-47338520-C-G. GRCh37 (hg19) VCF-style: chr11-47360071-C-G.
Other names: c.2308G>C, p.Asp770His (LRG_386t1); short protein forms D770H.
Identifiers: ClinVar variation 407327 (VCV000407327.9), dbSNP rs36211723, ClinGen allele CA16613585.

ClinVar aggregate classification (germline): Likely pathogenic (1 of 4 stars; one submission).

Conditions:
Hypertrophic cardiomyopathy. Also called: HYPERTROPHIC MYOCARDIOPATHY. Identifiers: Orphanet 217569, MedGen C0007194, MeSH D002312, MONDO:0005045, HP:0001639.

Submission:

Labcorp Genetics (formerly Invitae), Labcorp
Classification: Likely pathogenic for Hypertrophic cardiomyopathy. Last evaluated: 2025-05-13. Review status: criteria provided, single submitter. Criteria: Invitae Variant Classification Sherloc (09022015). Collection method: clinical testing. Allele origin: germline.
Comment: This sequence change replaces aspartic acid, which is acidic and polar, with histidine, which is basic and polar, at codon 770 of the MYBPC3 protein (p.Asp770His). This variant also falls at the last nucleotide of exon 23, which is part of the consensus splice site for this exon. This variant is not present in population databases (gnomAD no frequency). This missense change has been observed in individual(s) with hypertrophic cardiomyopathy (internal data). ClinVar contains an entry for this variant (Variation ID: 407327). An algorithm developed to predict the effect of missense changes on protein structure and function (PolyPhen-2) suggests that this variant is likely to be disruptive. Variants that disrupt the consensus splice site are a relatively common cause of aberrant splicing (PMID: 17576681, 9536098). Studies have shown that this missense change alters mRNA splicing and is expected to lead to the loss of protein expression (PMID: 34097875). This variant disrupts the c.2308G nucleotide in the MYBPC3 gene. Other variant(s) that disrupt this nucleotide have been determined to be pathogenic (PMID: 18533079, 25740977, 28356264). This suggests that this nucleotide is clinically significant, and that variants that disrupt this position are likely to be disease-causing. In summary, the currently available evidence indicates that the variant is pathogenic, but additional data are needed to prove that conclusively. Therefore, this variant has been classified as Likely Pathogenic.

Literature cited by the submitters: PubMed 17576681; PubMed 9536098; PubMed 34097875; PubMed 18533079; PubMed 25740977; PubMed 28356264.